The following is an entry in ClinVar:

NM_000540.3(RYR1):c.3001G>A (p.Gly1001Ser)

Gene: RYR1 (ryanodine receptor 1; plus strand). Cytogenetic location: 19q13.2.
Variant type: single nucleotide variant.
Coding change: c.3001G>A on transcript NM_000540.3 (MANE Select); coding-DNA position 3001, G replaced by A.
Protein change: p.Gly1001Ser; replaces glycine 1001 with serine.
Molecular consequence: missense variant.
Genome position (GRCh38, 1-based): chr19:38,466,221, G>A. VCF-style: chr19-38466221-G-A. GRCh37 (hg19) VCF-style: chr19-38956861-G-A.
Other names: c.3001G>A, p.Gly1001Ser (NM_001042723.2); short protein forms G1001S.
Identifiers: ClinVar variation 844157 (VCV000844157.7), dbSNP rs769915556, ClinGen allele CA064305.
Genomic context (GRCh38, chr19:38,466,221, plus strand): 5'-ACGACACTGGTGGACCGTCTGGCAGAAAATGGGCACAACGTGTGGGCCCGAGACCGCGTG[G>A]GCCAGGGCTGGAGCTACAGCGCAGTGCAGGACATCCCAGCGCGCCGAAACCCTCGGCTGG-3'
Protein context (NP_000531.2, residues 991-1011): GHNVWARDRV[Gly1001Ser]QGWSYSAVQD

ClinVar aggregate classification (germline): Uncertain significance (1 of 4 stars; one submission).

Conditions:
RYR1-related disorder. Also called: RYR1-related disorders; RYR1-related condition. Identifiers: MedGen CN239331.

Allele frequency attached by ClinVar (database versions not stated): gnomAD exomes below 0.00001; ExAC 0.00001; TOPMed 0.00004.
gnomAD v4.1: 2 of 1,613,426 alleles (0.00012%); highest among the groups gnomAD compares: Non-Finnish European, 0.00017%; no homozygotes.

Submission:

Labcorp Genetics (formerly Invitae), Labcorp
Classification: Uncertain significance for RYR1-related disorder. Last evaluated: 2021-08-30. Review status: criteria provided, single submitter. Criteria: Invitae Variant Classification Sherloc (09022015). Collection method: clinical testing. Allele origin: germline.
Comment: This sequence change replaces glycine with serine at codon 1001 of the RYR1 protein (p.Gly1001Ser). The glycine residue is weakly conserved and there is a small physicochemical difference between glycine and serine. This variant is present in population databases (rs769915556, ExAC 0.002%). This variant has not been reported in the literature in individuals affected with RYR1-related conditions. Algorithms developed to predict the effect of missense changes on protein structure and function (SIFT, PolyPhen-2, Align-GVGD) all suggest that this variant is likely to be tolerated. In summary, the available evidence is currently insufficient to determine the role of this variant in disease. Therefore, it has been classified as a Variant of Uncertain Significance.